The following is an entry in ClinVar:

ClinVar aggregate classification (germline): Benign. Review status: criteria provided, multiple submitters, no conflicts (2 of 4 stars). 2 submissions from 2 submitters: Benign (2). Last evaluated 2021-05-12.

Allele frequency attached by ClinVar (database versions not stated): gnomAD 0.26358 and 0.26666; gnomAD exomes 0.26380; 1000 Genomes Project 30x 0.30184; 1000 Genomes Project 0.30272; TOPMed 0.26336.

Submissions (2):

GeneDx
Classification: Benign. Last evaluated: 2021-05-12. Review status: criteria provided, single submitter. Criteria: GeneDx Variant Classification Process June 2021. Collection method: clinical testing. Allele origin: germline. Affected: yes.
Comment: This variant is associated with the following publications: (PMID: 31582554, 16144795, 17445871, 19492150, 17403086, 25772935)

Breakthrough Genomics
Classification: Benign. Review status: criteria provided, single submitter. Criteria: ACMG Guidelines, 2015. Collection method: not provided. Allele origin: germline. Inheritance: Autosomal recessive inheritance. Affected: yes.

NC_000004.12:g.154604124G>A

Gene: FGG (fibrinogen gamma chain; minus strand). Cytogenetic location: 4q32.1.
Variant type: single nucleotide variant.
Genome position: GRCh38 VCF-style: chr4-154604124-G-A. GRCh37 (hg19) VCF-style: chr4-155525276-G-A.
Identifiers: ClinVar variation 369438 (VCV000369438.8), dbSNP rs2066865, ClinGen allele CA10654670.